The following is an entry in ClinVar:

ClinVar aggregate classification (germline): Uncertain significance (1 of 4 stars; one submission).

Submission:

Labcorp Genetics (formerly Invitae), Labcorp
Classification: Uncertain significance. Last evaluated: 2023-08-24. Review status: criteria provided, single submitter. Criteria: Invitae Variant Classification Sherloc (09022015). Collection method: clinical testing. Allele origin: germline.
Comment: In summary, the available evidence is currently insufficient to determine the role of this variant in disease. Therefore, it has been classified as a Variant of Uncertain Significance. Algorithms developed to predict the effect of missense changes on protein structure and function output the following: SIFT: "Not Available"; PolyPhen-2: "Not Available"; Align-GVGD: "Not Available". The aspartic acid amino acid residue is found in multiple mammalian species, which suggests that this missense change does not adversely affect protein function. ClinVar contains an entry for this variant (Variation ID: 2113824). This variant has not been reported in the literature in individuals affected with RIN2-related conditions. This variant is not present in population databases (gnomAD no frequency). This sequence change replaces glutamic acid, which is acidic and polar, with aspartic acid, which is acidic and polar, at codon 417 of the RIN2 protein (p.Glu417Asp).

NM_018993.4(RIN2):c.1251A>C (p.Glu417Asp)

Gene: RIN2 (Ras and Rab interactor 2; plus strand). Cytogenetic location: 20p11.23.
Variant type: single nucleotide variant.
Coding change: c.1251A>C on transcript NM_018993.4 (MANE Select); coding-DNA position 1251, A replaced by C.
Protein change: p.Glu417Asp; replaces glutamic acid 417 with aspartic acid.
Molecular consequence: missense variant.
Genome position (GRCh38, 1-based): chr20:19,975,276, A>C. VCF-style: chr20-19975276-A-C. GRCh37 (hg19) VCF-style: chr20-19955920-A-C.
Other names: c.1398A>C, p.Glu466Asp (NM_001242581.2); c.633A>C, p.Glu211Asp (NM_001378238.1); short protein forms E211D, E417D, E466D.
Identifiers: ClinVar variation 2113824 (VCV002113824.4), dbSNP rs939386125, ClinGen allele CA408362182.